The following is an entry in ClinVar:

ClinVar aggregate classification (germline): Uncertain significance (1 of 4 stars; one submission).

Conditions:
Congenital ocular coloboma. Also called: COLOBOMA OF IRIS, CHOROID, AND RETINA; COLOBOMA, UVEORETINAL; Coloboma of eye; Coloboma. Identifiers: Orphanet 194, MedGen C0009363, MONDO:0001476, HP:0000589.

Submission:

Genomics, Genetics and Epigenetics Laboratory, Medical College of Wisconsin
Classification: Uncertain significance for Coloboma. Last evaluated: 2026-04-14. Review status: criteria provided, single submitter. Criteria: ACMG Guidelines, 2015. Collection method: research. Allele origin: unknown. Affected: yes.
Comment: The NM_002383.4:c.1107+1G>A is a splice donor variant with significant SpliceAI and Pangolin scores, predicted to cause a premature stop codon in exons 4 of 5, more than 50 nucleotides upstream of the final intron, and thus likely targeted for nonsense-mediated decay. MAZ exhibits constraint against loss-of-function variation in gnomAD v4.1.0. The variant is also absent in gnomAD v4.1.0. However, the gene has not been previously associated with disease.

Literature cited by the submitters: PubMed 41339071.

NM_002383.4(MAZ):c.1107+1G>A

Genes: MAZ (MYC associated zinc finger protein; plus strand), LOC130058787 (ATAC-STARR-seq lymphoblastoid active region 10677; plus strand). Cytogenetic location: 16p11.2.
Variant type: single nucleotide variant.
Coding change: c.1107+1G>A on transcript NM_002383.4 (MANE Select); the canonical splice donor site of the intron after coding-DNA position 1107, G replaced by A.
Molecular consequence: splice donor variant. On other transcripts: intron variant (1).
Genome position (GRCh38, 1-based): chr16:29,808,294, G>A. VCF-style: chr16-29808294-G-A. GRCh37 (hg19) VCF-style: chr16-29819615-G-A.
Other names: c.1038+1G>A (NM_001276275.2); c.1107+1G>A (NM_001042539.3); c.193-276G>A (NM_001276276.2).
Identifiers: ClinVar variation 4056085 (VCV004056085.2).